The following is an entry in ClinVar:

NM_001062.4(TCN1):c.653G>T (p.Ser218Ile)

Gene: TCN1 (transcobalamin 1; minus strand). Cytogenetic location: 11q12.1.
Variant type: single nucleotide variant.
Coding change: c.653G>T on transcript NM_001062.4 (MANE Select); coding-DNA position 653, G replaced by T.
Protein change: p.Ser218Ile; replaces serine 218 with isoleucine.
Molecular consequence: missense variant.
Genome position (GRCh38, 1-based): chr11:59,859,171, C>A on the plus strand (G>T on the coding strand, the complement: TCN1 is on the minus strand). VCF-style: chr11-59859171-C-A. GRCh37 (hg19) VCF-style: chr11-59626644-C-A.
Other names: short protein forms S218I.
Identifiers: ClinVar variation 789484 (VCV000789484.12), dbSNP rs75927196, ClinGen allele CA6021948.

ClinVar aggregate classification (germline): Likely benign. Review status: criteria provided, single submitter (1 of 4 stars). 2 submissions from 2 submitters: Likely benign (1). 1 of the submissions does not count toward it. Last evaluated 2026-01-27.

Conditions:
Transcobalamin I deficiency (TCN1D). Also called: COBALAMIN PSEUDODEFICIENCY DUE TO TRANSCOBALAMIN DEFICIENCY; COBALAMIN R BINDER PROTEIN DEFICIENCY; TCN1 DEFICIENCY. Identifiers: Orphanet 2967, MedGen C0342700, MONDO:0008659, OMIM 193090.
TCN1-related disorder. Also called: TCN1-related condition.

Allele frequency attached by ClinVar (database versions not stated): gnomAD exomes 0.00024 and 0.00065; ExAC 0.00074; ESP Exome Variant Server 0.00216; gnomAD 0.00243 and 0.00258; TOPMed 0.00255; 1000 Genomes Project 0.00339; 1000 Genomes Project 30x 0.00375.
gnomAD v4.1: 758 of 1,613,988 alleles (0.047%); highest among the groups gnomAD compares: African/African-American, 0.73%; 5 homozygotes.

Submissions (2):

Labcorp Genetics (formerly Invitae), Labcorp
Classification: Likely benign for Transcobalamin I deficiency. Last evaluated: 2026-01-27. Review status: criteria provided, single submitter. Criteria: Invitae Variant Classification Sherloc (09022015). Collection method: clinical testing. Allele origin: germline.

PreventionGenetics, part of Exact Sciences
Classification: Likely benign for TCN1-related condition. Last evaluated: 2024-03-04. Review status: no assertion criteria provided. Collection method: clinical testing. Allele origin: germline. Not counted in ClinVar's aggregate classification.
Comment: This variant is classified as likely benign based on ACMG/AMP sequence variant interpretation guidelines (Richards et al. 2015 PMID: 25741868, with internal and published modifications).